The following is an entry in ClinVar:

NM_014865.4(NCAPD2):c.564A>C (p.Ser188=)

Gene: NCAPD2 (non-SMC condensin I complex subunit D2; plus strand). Cytogenetic location: 12p13.31.
Variant type: single nucleotide variant.
Coding change: c.564A>C on transcript NM_014865.4 (MANE Select); coding-DNA position 564, A replaced by C.
Protein change: p.Ser188=; no amino-acid change (serine 188 retained).
Molecular consequence: synonymous variant.
Genome position (GRCh38, 1-based): chr12:6,511,229, A>C. VCF-style: chr12-6511229-A-C. GRCh37 (hg19) VCF-style: chr12-6620395-A-C.
Identifiers: ClinVar variation 1879223 (VCV001879223.29), dbSNP rs61753198, ClinGen allele CA6408153.
Genomic context (GRCh38, chr12:6,511,229, plus strand): 5'-AATTCTTCAGCTTTTAACACAGCTACTTCAGTTGGACATCCGTCACCTGTGGAACCACTC[A>C]ATAATTGAAGAAGAATTTGTCAGGTGGGTAGGGAGGATGGCTACAGATAATACTGAGCTG-3'
Protein context (NP_055680.3, residues 178-198): QLDIRHLWNH[Ser188=]IIEEEFVSLV

ClinVar aggregate classification (germline): Benign (1 of 4 stars; one submission).

Allele frequency attached by ClinVar (database versions not stated): 1000 Genomes Project 30x 0.00468; 1000 Genomes Project 0.00519; TOPMed 0.00749; ESP Exome Variant Server 0.00792; gnomAD exomes 0.01021; gnomAD 0.01081; ExAC 0.01111.
gnomAD v4.1: 16,767 of 1,614,136 alleles (1%); highest among the groups gnomAD compares: Middle Eastern, 2.5%; 197 homozygotes.

Submission:

CeGaT Center for Human Genetics Tuebingen
Classification: Benign. Last evaluated: 2026-07-01. Review status: criteria provided, single submitter. Criteria: CeGaT Center For Human Genetics Tuebingen Variant Classification Criteria Version 2. Collection method: clinical testing. Allele origin: germline. Affected: yes. Observed: 8 variant alleles.
Comment: NCAPD2: BP4, BP7, BS1, BS2